The following is an entry in ClinVar:

NM_000306.4(POU1F1):c.671C>T (p.Ala224Val)

Gene: POU1F1 (POU class 1 homeobox 1; minus strand). Cytogenetic location: 3p11.2.
Variant type: single nucleotide variant.
Coding change: c.671C>T on transcript NM_000306.4 (MANE Select); coding-DNA position 671, C replaced by T.
Protein change: p.Ala224Val; replaces alanine 224 with valine.
Molecular consequence: missense variant.
Genome position (GRCh38, 1-based): chr3:87,260,099, G>A on the plus strand (C>T on the coding strand, the complement: POU1F1 is on the minus strand). VCF-style: chr3-87260099-G-A. GRCh37 (hg19) VCF-style: chr3-87309249-G-A.
Other names: c.749C>T, p.Ala250Val (NM_001122757.3); short protein forms A224V, A250V.
Identifiers: ClinVar variation 1202172 (VCV001202172.3), dbSNP rs2106925411, ClinGen allele CA353698436.
Genomic context (GRCh38, chr3:87,260,099, plus strand): 5'-ATCTCTTGAGAAGAAGGTTTATTCTGTTCTCCAAAGTGTCTCTCCAGAGCATCTTTAGCA[G>A]CAATGCTGGCGGGGGGTGGACATAGGGGGTGAAATTTTGTTGTTTTTAGTGAAGTTTTTG-3'
Protein context (NP_000297.1, residues 214-234): KRKRRTTISI[Ala224Val]AKDALERHFG

ClinVar aggregate classification (germline): Uncertain significance (1 of 4 stars; one submission).

Submission:

GeneDx
Classification: Uncertain significance. Last evaluated: 2019-09-12. Review status: criteria provided, single submitter. Criteria: GeneDx Variant Classification Process June 2021. Collection method: clinical testing. Allele origin: germline. Affected: yes.
Comment: Not observed in large population cohorts (Lek et al., 2016); In silico analysis, which includes protein predictors and evolutionary conservation, supports a deleterious effect; Has not been previously published as pathogenic or benign to our knowledge